The following is an entry in ClinVar:

ClinVar aggregate classification (germline): Uncertain significance (1 of 4 stars; one submission).

Allele frequency attached by ClinVar (database versions not stated): gnomAD exomes below 0.00001.

Submission:

Labcorp Genetics (formerly Invitae), Labcorp
Classification: Uncertain significance. Last evaluated: 2023-01-10. Review status: criteria provided, single submitter. Criteria: Invitae Variant Classification Sherloc (09022015). Collection method: clinical testing. Allele origin: germline.
Comment: This variant is not present in population databases (gnomAD no frequency). This sequence change replaces lysine, which is basic and polar, with glutamic acid, which is acidic and polar, at codon 400 of the SIAE protein (p.Lys400Glu). This variant has not been reported in the literature in individuals affected with SIAE-related conditions. In summary, the available evidence is currently insufficient to determine the role of this variant in disease. Therefore, it has been classified as a Variant of Uncertain Significance. Algorithms developed to predict the effect of missense changes on protein structure and function are either unavailable or do not agree on the potential impact of this missense change (SIFT: "Deleterious"; PolyPhen-2: "Benign"; Align-GVGD: "Class C0").

NM_170601.5(SIAE):c.1198A>G (p.Lys400Glu)

Gene: SIAE (sialic acid acetylesterase; minus strand). Cytogenetic location: 11q24.2.
Variant type: single nucleotide variant.
Coding change: c.1198A>G on transcript NM_170601.5 (MANE Select); coding-DNA position 1198, A replaced by G.
Protein change: p.Lys400Glu; replaces lysine 400 with glutamic acid.
Molecular consequence: missense variant.
Genome position (GRCh38, 1-based): chr11:124,638,664, T>C on the plus strand (A>G on the coding strand, the complement: SIAE is on the minus strand). VCF-style: chr11-124638664-T-C. GRCh37 (hg19) VCF-style: chr11-124508560-T-C.
Other names: c.1093A>G, p.Lys365Glu (NM_001199922.2); short protein forms K365E, K400E.
Identifiers: ClinVar variation 2827545 (VCV002827545.3), dbSNP rs2496879658, ClinGen allele CA383144521.